The following is an entry in ClinVar:

NM_024598.4(USB1):c.162G>A (p.Pro54=)

Gene: USB1 (U6 snRNA biogenesis phosphodiesterase 1; plus strand). Cytogenetic location: 16q21.
Variant type: single nucleotide variant.
Coding change: c.162G>A on transcript NM_024598.4 (MANE Select); coding-DNA position 162, G replaced by A.
Protein change: p.Pro54=; no amino-acid change (proline 54 retained).
Molecular consequence: synonymous variant.
Genome position (GRCh38, 1-based): chr16:58,002,542, G>A. VCF-style: chr16-58002542-G-A. GRCh37 (hg19) VCF-style: chr16-58036446-G-A.
Other names: c.162G>A, p.Pro54= (NM_001195302.2, NM_001204911.2, NM_001330569.2); c.9G>A, p.Pro3= (NM_001330568.2); c.162G>A (NM_024598.3).
Identifiers: ClinVar variation 1117753 (VCV001117753.13), dbSNP rs143792185, ClinGen allele CA8084817.

ClinVar aggregate classification (germline): Likely benign. Review status: criteria provided, multiple submitters, no conflicts (2 of 4 stars). 5 submissions from 5 submitters: Likely benign (4). 1 of the submissions does not count toward it. Last evaluated 2026-03-31.

Conditions:
Inborn genetic diseases. Identifiers: MedGen C0950123, MeSH D030342.
USB1-related disorder. Also called: USB1-related condition.

Allele frequency attached by ClinVar (database versions not stated): gnomAD exomes 0.00026; ExAC 0.00032; ESP Exome Variant Server 0.00038; 1000 Genomes Project 0.00080; 1000 Genomes Project 30x 0.00109.
gnomAD v4.1: 178 of 1,614,060 alleles (0.011%); highest among the groups gnomAD compares: East Asian, 0.12%; 1 homozygote.

Submissions (5):

Women's Health and Genetics/Laboratory Corporation of America, LabCorp
Classification: Likely benign. Last evaluated: 2026-03-31. Review status: criteria provided, single submitter. Criteria: LabCorp Variant Classification Summary - May 2015. Collection method: clinical testing. Allele origin: germline.

Labcorp Genetics (formerly Invitae), Labcorp
Classification: Likely benign. Last evaluated: 2025-10-21. Review status: criteria provided, single submitter. Criteria: Invitae Variant Classification Sherloc (09022015). Collection method: clinical testing. Allele origin: germline.

Ambry Genetics
Classification: Likely benign for Inborn genetic diseases. Last evaluated: 2024-10-17. Review status: criteria provided, single submitter. Criteria: Ambry Variant Classification Scheme 2023. Collection method: clinical testing. Allele origin: germline.

Blueprint Genetics
Classification: Likely benign. Last evaluated: 2024-04-19. Review status: criteria provided, single submitter. Criteria: ACMG Guidelines, 2015. Collection method: clinical testing. Allele origin: germline.

PreventionGenetics, part of Exact Sciences
Classification: Likely benign for USB1-related condition. Last evaluated: 2024-03-21. Review status: no assertion criteria provided. Collection method: clinical testing. Allele origin: germline. Not counted in ClinVar's aggregate classification.
Comment: This variant is classified as likely benign based on ACMG/AMP sequence variant interpretation guidelines (Richards et al. 2015 PMID: 25741868, with internal and published modifications).